The following is an entry in ClinVar:

ClinVar aggregate classification (germline): Likely benign (1 of 4 stars; one submission).

gnomAD v4.1: 34 of 1,613,482 alleles (0.0021%); highest among the groups gnomAD compares: African/African-American, 0.029%; no homozygotes.

Submission:

CeGaT Center for Human Genetics Tuebingen
Classification: Likely benign. Last evaluated: 2025-01-01. Review status: criteria provided, single submitter. Criteria: CeGaT Center For Human Genetics Tuebingen Variant Classification Criteria Version 2. Collection method: clinical testing. Allele origin: germline. Affected: yes. Observed: 1 variant allele.
Comment: PTPRZ1: BP4, BP7

NM_002851.3(PTPRZ1):c.5865C>T (p.His1955=)

Gene: PTPRZ1 (protein tyrosine phosphatase receptor type Z1; plus strand). Cytogenetic location: 7q31.32.
Variant type: single nucleotide variant.
Coding change: c.5865C>T on transcript NM_002851.3 (MANE Select); coding-DNA position 5865, C replaced by T.
Protein change: p.His1955=; no amino-acid change (histidine 1955 retained).
Molecular consequence: synonymous variant.
Genome position (GRCh38, 1-based): chr7:122,042,671, C>T. VCF-style: chr7-122042671-C-T. GRCh37 (hg19) VCF-style: chr7-121682725-C-T.
Other names: c.3285C>T, p.His1095= (NM_001206838.2); c.3264C>T, p.His1088= (NM_001206839.2); c.5844C>T, p.His1948= (NM_001369395.1); c.5823C>T, p.His1941= (NM_001369396.1).
Identifiers: ClinVar variation 3771698 (VCV003771698.13).